The following is an entry in ClinVar:

ClinVar aggregate classification (germline): Uncertain significance (1 of 4 stars; one submission).

Conditions:
Congenital myasthenic syndrome 8. Also called: Myasthenic syndrome, congenital, 8, with pre- and postsynaptic defects; MYASTHENIC SYNDROME, CONGENITAL, DUE TO AGRIN DEFICIENCY. Identifiers: Orphanet 590, MedGen C3808739, MONDO:0014052, OMIM 615120.

Allele frequency attached by ClinVar (database versions not stated): TOPMed 0.00002; gnomAD 0.00001; gnomAD exomes 0.00001.
gnomAD v4.1: 10 of 1,611,148 alleles (0.00062%); highest among the groups gnomAD compares: Non-Finnish European, 0.00085%; no homozygotes.

Submission:

Labcorp Genetics (formerly Invitae), Labcorp
Classification: Uncertain significance for Congenital myasthenic syndrome 8. Last evaluated: 2022-10-24. Review status: criteria provided, single submitter. Criteria: Invitae Variant Classification Sherloc (09022015). Collection method: clinical testing. Allele origin: germline.
Comment: This sequence change replaces alanine, which is neutral and non-polar, with valine, which is neutral and non-polar, at codon 605 of the AGRN protein (p.Ala605Val). This variant is present in population databases (no rsID available, gnomAD 0.01%). This variant has not been reported in the literature in individuals affected with AGRN-related conditions. ClinVar contains an entry for this variant (Variation ID: 1046656). Algorithms developed to predict the effect of missense changes on protein structure and function output the following: SIFT: "Tolerated"; PolyPhen-2: "Possibly Damaging"; Align-GVGD: "Class C0". The valine amino acid residue is found in multiple mammalian species, which suggests that this missense change does not adversely affect protein function. In summary, the available evidence is currently insufficient to determine the role of this variant in disease. Therefore, it has been classified as a Variant of Uncertain Significance.

NM_198576.4(AGRN):c.1814C>T (p.Ala605Val)

Gene: AGRN (agrin; plus strand). Cytogenetic location: 1p36.33.
Variant type: single nucleotide variant.
Coding change: c.1814C>T on transcript NM_198576.4 (MANE Select); coding-DNA position 1814, C replaced by T.
Protein change: p.Ala605Val; replaces alanine 605 with valine.
Molecular consequence: missense variant.
Genome position (GRCh38, 1-based): chr1:1,043,838, C>T. VCF-style: chr1-1043838-C-T. GRCh37 (hg19) VCF-style: chr1-979218-C-T.
Other names: c.1814C>T, p.Ala605Val (NM_001305275.2); c.1499C>T, p.Ala500Val (NM_001364727.2); short protein forms A605V, A500V.
Identifiers: ClinVar variation 1046656 (VCV001046656.5), dbSNP rs1038802664, ClinGen allele CA16754311.